The following is an entry in ClinVar:

ClinVar aggregate classification (germline): Likely benign. Review status: criteria provided, multiple submitters, no conflicts (2 of 4 stars). 3 submissions from 3 submitters: Likely benign (3). Last evaluated 2025-07-06.

Allele frequency attached by ClinVar (database versions not stated): gnomAD exomes 0.00006 and 0.00014; ESP Exome Variant Server 0.00008; gnomAD 0.00009; TOPMed 0.00011; ExAC 0.00012.
gnomAD v4.1: 105 of 1,609,356 alleles (0.0065%); highest among the groups gnomAD compares: Middle Eastern, 0.017%; no homozygotes.

Submissions (3):

Labcorp Genetics (formerly Invitae), Labcorp
Classification: Likely benign. Last evaluated: 2025-07-06. Review status: criteria provided, single submitter. Criteria: Invitae Variant Classification Sherloc (09022015). Collection method: clinical testing. Allele origin: germline.

Blueprint Genetics
Classification: Likely benign. Last evaluated: 2024-11-11. Review status: criteria provided, single submitter. Criteria: ACMG Guidelines, 2015. Collection method: clinical testing. Allele origin: germline.

CeGaT Center for Human Genetics Tuebingen
Classification: Likely benign. Last evaluated: 2024-04-01. Review status: criteria provided, single submitter. Criteria: CeGaT Center For Human Genetics Tuebingen Variant Classification Criteria Version 2. Collection method: clinical testing. Allele origin: germline. Affected: yes. Observed: 1 variant allele.
Comment: GUF1: BP4, BP7

NM_021927.3(GUF1):c.1917A>G (p.Gln639=)

Gene: GUF1 (GTP binding elongation factor GUF1; plus strand). Cytogenetic location: 4p12.
Variant type: single nucleotide variant.
Coding change: c.1917A>G on transcript NM_021927.3 (MANE Select); coding-DNA position 1917, A replaced by G.
Protein change: p.Gln639=; no amino-acid change (glutamine 639 retained).
Molecular consequence: synonymous variant.
Genome position (GRCh38, 1-based): chr4:44,698,588, A>G. VCF-style: chr4-44698588-A-G. GRCh37 (hg19) VCF-style: chr4-44700605-A-G.
Other names: c.945A>G, p.Gln315= (NM_001345867.2, NM_001345869.2); c.1797A>G, p.Gln599= (NM_001345868.2).
Identifiers: ClinVar variation 1621683 (VCV001621683.29), dbSNP rs369850931, ClinGen allele CA2905823.
Genomic context (GRCh38, chr4:44,698,588, plus strand): 5'-TTAAAATATTTTTCAGTATGGTGGTGATATTACCCGAAAAATGAAGCTTTTGAAGAGACA[A>G]GCAGAAGGGAAAAAAAAGCTGAGGAAAATTGGCAACGTTGAAGTTCCAAAAGATGCTTTT-3'
Protein context (NP_068746.2, residues 629-649): ITRKMKLLKR[Gln639=]AEGKKKLRKI